The following is an entry in ClinVar:

NM_002485.5(NBN):c.955A>G (p.Thr319Ala)

Gene: NBN (nibrin; minus strand). Cytogenetic location: 8q21.3.
Variant type: single nucleotide variant.
Coding change: c.955A>G on transcript NM_002485.5 (MANE Select); coding-DNA position 955, A replaced by G.
Protein change: p.Thr319Ala; replaces threonine 319 with alanine.
Molecular consequence: missense variant.
Genome position (GRCh38, 1-based): chr8:89,964,449, T>C on the plus strand (A>G on the coding strand, the complement: NBN is on the minus strand). VCF-style: chr8-89964449-T-C. GRCh37 (hg19) VCF-style: chr8-90976677-T-C.
Other names: c.709A>G, p.Thr237Ala (NM_001024688.3); short protein forms T319A, T237A.
Identifiers: ClinVar variation 232754 (VCV000232754.20), dbSNP rs876659969, ClinGen allele CA10577367.
Genomic context (GRCh38, chr8:89,964,449, plus strand): 5'-ATAAAATAATGCTTCAATTACCTGTACTGGGATGGCCCTGAGGATCACAGTAATTCTTTG[T>C]AGTCATGAAAATCACCGCCAATCCAATTTCTGCTTCAGGAATAGGTCTAAGACCTTGCCT-3'
Protein context (NP_002476.2, residues 309-329): EIGLAVIFMT[Thr319Ala]KNYCDPQGHP

ClinVar aggregate classification (germline): Uncertain significance. Review status: criteria provided, multiple submitters, no conflicts (2 of 4 stars). 5 submissions from 5 submitters: Uncertain significance (4). 1 of the submissions does not count toward it. Last evaluated 2025-05-08.

Conditions:
Hereditary cancer-predisposing syndrome. Also called: Hereditary Cancer Syndrome; Neoplastic Syndromes, Hereditary; Tumor predisposition; Hereditary neoplastic syndrome. Identifiers: Orphanet 140162, MedGen C0027672, MeSH D009386, MONDO:0015356.
Microcephaly, normal intelligence and immunodeficiency (NBS). Also called: BERLIN BREAKAGE SYNDROME; Ataxia telangiectasia variant V1; IMMUNODEFICIENCY, MICROCEPHALY, AND CHROMOSOMAL INSTABILITY; SEEMANOVA SYNDROME II; Nijmegen breakage syndrome; Microcephaly with normal intelligence immunodeficiency and lymphoreticular malignancies. Identifiers: Orphanet 647, MedGen C0398791, MONDO:0009623, OMIM 251260.

Allele frequency attached by ClinVar (database versions not stated): gnomAD exomes below 0.00001.
gnomAD v4.1: 1 of 1,613,794 alleles (0.000062%); highest among the groups gnomAD compares: Non-Finnish European, 0.000085%; no homozygotes.

Submissions (5):

Ambry Genetics
Classification: Uncertain significance for Hereditary cancer-predisposing syndrome. Last evaluated: 2025-05-08. Review status: criteria provided, single submitter. Criteria: Ambry Variant Classification Scheme 2023. Collection method: clinical testing. Allele origin: germline.
Comment: The p.T319A variant (also known as c.955A>G), located in coding exon 8 of the NBN gene, results from an A to G substitution at nucleotide position 955. The threonine at codon 319 is replaced by alanine, an amino acid with similar properties. This amino acid position is well conserved in available vertebrate species. In addition, this alteration is predicted to be tolerated by in silico analysis. Since supporting evidence is limited at this time, the clinical significance of this alteration remains unclear.

Labcorp Genetics (formerly Invitae), Labcorp
Classification: Uncertain significance for Microcephaly, normal intelligence and immunodeficiency. Last evaluated: 2022-06-03. Review status: criteria provided, single submitter. Criteria: Invitae Variant Classification Sherloc (09022015). Collection method: clinical testing. Allele origin: germline.
Comment: This sequence change replaces threonine, which is neutral and polar, with alanine, which is neutral and non-polar, at codon 319 of the NBN protein (p.Thr319Ala). This variant is not present in population databases (gnomAD no frequency). This variant has not been reported in the literature in individuals affected with NBN-related conditions. ClinVar contains an entry for this variant (Variation ID: 232754). Algorithms developed to predict the effect of missense changes on protein structure and function (SIFT, PolyPhen-2, Align-GVGD) all suggest that this variant is likely to be tolerated. In summary, the available evidence is currently insufficient to determine the role of this variant in disease. Therefore, it has been classified as a Variant of Uncertain Significance.

GeneDx
Classification: Uncertain significance. Last evaluated: 2022-03-03. Review status: criteria provided, single submitter. Criteria: GeneDx Variant Classification Process June 2021. Collection method: clinical testing. Allele origin: germline. Affected: yes.
Comment: Not observed at significant frequency in large population cohorts (gnomAD); In silico analysis supports that this missense variant has a deleterious effect on protein structure/function; Has not been previously published as pathogenic or benign to our knowledge; This variant is associated with the following publications: (PMID: 24894818)

Genome-Nilou Lab
Classification: Uncertain significance for Microcephaly, normal intelligence and immunodeficiency. Last evaluated: 2021-11-07. Review status: criteria provided, single submitter. Criteria: ACMG Guidelines, 2015. Collection method: clinical testing. Allele origin: germline. Affected: no.

Natera, Inc.
Classification: Uncertain significance for Nijmegen breakage syndrome. Last evaluated: 2021-09-08. Review status: no assertion criteria provided. Collection method: clinical testing. Allele origin: germline. Not counted in ClinVar's aggregate classification.